The following is an entry in ClinVar:

ClinVar aggregate classification (germline): Uncertain significance (1 of 4 stars; one submission).

Allele frequency attached by ClinVar (database versions not stated): TOPMed 0.00002; gnomAD 0.00003.

Submission:

Labcorp Genetics (formerly Invitae), Labcorp
Classification: Uncertain significance. Last evaluated: 2026-01-26. Review status: criteria provided, single submitter. Criteria: Invitae Variant Classification Sherloc (09022015). Collection method: clinical testing. Allele origin: germline.
Comment: This sequence change replaces serine, which is neutral and polar, with leucine, which is neutral and non-polar, at codon 425 of the RFWD3 protein (p.Ser425Leu). This variant is present in population databases (no rsID available, gnomAD 0.002%). This variant has not been reported in the literature in individuals affected with RFWD3-related conditions. ClinVar contains an entry for this variant (Variation ID: 2174994). An algorithm developed to predict the effect of missense changes on protein structure and function outputs the following: PolyPhen-2: "Benign". The leucine amino acid residue is found in multiple mammalian species, which suggests that this missense change does not adversely affect protein function. In summary, the available evidence is currently insufficient to determine the role of this variant in disease. Therefore, it has been classified as a Variant of Uncertain Significance.

NM_018124.4(RFWD3):c.1274C>T (p.Ser425Leu)

Gene: RFWD3 (ring finger and WD repeat domain 3; minus strand). Cytogenetic location: 16q23.1.
Variant type: single nucleotide variant.
Coding change: c.1274C>T on transcript NM_018124.4 (MANE Select); coding-DNA position 1274, C replaced by T.
Protein change: p.Ser425Leu; replaces serine 425 with leucine.
Molecular consequence: missense variant.
Genome position (GRCh38, 1-based): chr16:74,636,498, G>A on the plus strand (C>T on the coding strand, the complement: RFWD3 is on the minus strand). VCF-style: chr16-74636498-G-A. GRCh37 (hg19) VCF-style: chr16-74670396-G-A.
Other names: c.1274C>T, p.Ser425Leu (NM_001370534.1, NM_001370535.1, NM_001370536.1); c.440C>T, p.Ser147Leu (NM_001370537.1, NM_001370539.1, NM_001370540.1 and 3 more transcripts); short protein forms S425L, S147L.
Identifiers: ClinVar variation 2174994 (VCV002174994.4), dbSNP rs1351694545, ClinGen allele CA396761990.
Genomic context (GRCh38, chr16:74,636,498, plus strand): 5'-GATACTGTGAAGGTCTTTTGGAAGTGGTACTTGTGCTTGTGCTGGCCCTGGCTGGAGGGT[G>A]AGCAGCTCAGGACCCATGCTTGGGAGCCCCTGGGTTGCTGTAAATTCTGACTTTGATGTG-3'
Protein context (NP_060594.3, residues 415-435): RGSQAWVLSC[Ser425Leu]PSSQGQHKHK